The following is an entry in ClinVar:

ClinVar aggregate classification (germline): Uncertain significance (1 of 4 stars; one submission).

Conditions:
Seizures, benign familial infantile, 3 (BFIS3). Also called: CONVULSIONS, BENIGN FAMILIAL INFANTILE, 3; Familial neonatal seizures. Identifiers: Orphanet 140927, Orphanet 306, MedGen C1843140, MONDO:0011904, OMIM 607745.
Developmental and epileptic encephalopathy, 11 (DEE11). Also called: Early infantile epileptic encephalopathy 11. Identifiers: Orphanet 1934, MedGen C3150987, MONDO:0013388, OMIM 613721.

Allele frequency attached by ClinVar (database versions not stated): TOPMed below 0.00001.

Submission:

Labcorp Genetics (formerly Invitae), Labcorp
Classification: Uncertain significance for Seizures, benign familial infantile, 3; Developmental and epileptic encephalopathy, 11. Last evaluated: 2024-02-05. Review status: criteria provided, single submitter. Criteria: Invitae Variant Classification Sherloc (09022015). Collection method: clinical testing. Allele origin: germline.
Comment: This sequence change replaces methionine, which is neutral and non-polar, with leucine, which is neutral and non-polar, at codon 967 of the SCN2A protein (p.Met967Leu). This variant is not present in population databases (gnomAD no frequency). This variant has not been reported in the literature in individuals affected with SCN2A-related conditions. ClinVar contains an entry for this variant (Variation ID: 1945338). Advanced modeling of protein sequence and biophysical properties (such as structural, functional, and spatial information, amino acid conservation, physicochemical variation, residue mobility, and thermodynamic stability) has been performed at Invitae for this missense variant, however the output from this modeling did not meet the statistical confidence thresholds required to predict the impact of this variant on SCN2A protein function. In summary, the available evidence is currently insufficient to determine the role of this variant in disease. Therefore, it has been classified as a Variant of Uncertain Significance.

NM_001040142.2(SCN2A):c.2899A>T (p.Met967Leu)

Gene: SCN2A (sodium voltage-gated channel alpha subunit 2; plus strand). Cytogenetic location: 2q24.3.
Variant type: single nucleotide variant.
Coding change: c.2899A>T on transcript NM_001040142.2 (MANE Select); coding-DNA position 2899, A replaced by T.
Protein change: p.Met967Leu; replaces methionine 967 with leucine.
Molecular consequence: missense variant.
Genome position (GRCh38, 1-based): chr2:165,344,891, A>T. VCF-style: chr2-165344891-A-T. GRCh37 (hg19) VCF-style: chr2-166201401-A-T.
Other names: c.2899A>T, p.Met967Leu (NM_001040143.2, NM_001371246.1, NM_001371247.1 and 1 more transcripts); short protein forms M967L.
Identifiers: ClinVar variation 1945338 (VCV001945338.5), dbSNP rs1699489337, ClinGen allele CA349016581.